The following is an entry in ClinVar:

ClinVar aggregate classification (germline): Uncertain significance. Review status: criteria provided, multiple submitters, no conflicts (2 of 4 stars). 2 submissions from 2 submitters: Uncertain significance (2). Last evaluated 2026-02-02.

Conditions:
Mitochondrial complex II deficiency, nuclear type 1. Also called: SUCCINATE CoQ REDUCTASE DEFICIENCY. Identifiers: Orphanet 3208, MedGen C5700310, MONDO:0100294, OMIM 252011.
Pheochromocytoma/paraganglioma syndrome 5. Also called: SDHA-Related Hereditary Paraganglioma-Pheochromocytoma Syndrome; Paragangliomas 5. Identifiers: Orphanet 29072, MedGen C3279992, MONDO:0013602, OMIM 614165.
Hereditary cancer-predisposing syndrome. Also called: Neoplastic Syndromes, Hereditary; Hereditary Cancer Syndrome; Tumor predisposition; Hereditary neoplastic syndrome. Identifiers: Orphanet 140162, MedGen C0027672, MeSH D009386, MONDO:0015356.

Allele frequency attached by ClinVar (database versions not stated): TOPMed below 0.00001; gnomAD 0.00001; gnomAD exomes 0.00001.
gnomAD v4.1: 12 of 1,614,038 alleles (0.00074%); highest among the groups gnomAD compares: East Asian, 0.0022%; no homozygotes.

Submissions (2):

Labcorp Genetics (formerly Invitae), Labcorp
Classification: Uncertain significance for Pheochromocytoma/paraganglioma syndrome 5; Mitochondrial complex II deficiency, nuclear type 1. Last evaluated: 2026-02-02. Review status: criteria provided, single submitter. Criteria: Invitae Variant Classification Sherloc (09022015). Collection method: clinical testing. Allele origin: germline.
Comment: This sequence change replaces tyrosine, which is neutral and polar, with histidine, which is basic and polar, at codon 301 of the SDHA protein (p.Tyr301His). This variant is not present in population databases (gnomAD no frequency). This variant has not been reported in the literature in individuals affected with SDHA-related conditions. ClinVar contains an entry for this variant (Variation ID: 412363). Invitae Evidence Modeling of protein sequence and biophysical properties (such as structural, functional, and spatial information, amino acid conservation, physicochemical variation, residue mobility, and thermodynamic stability) indicates that this missense variant is not expected to disrupt SDHA protein function with a negative predictive value of 95%. In summary, the available evidence is currently insufficient to determine the role of this variant in disease. Therefore, it has been classified as a Variant of Uncertain Significance.

Ambry Genetics
Classification: Uncertain significance for Hereditary cancer-predisposing syndrome. Last evaluated: 2024-09-25. Review status: criteria provided, single submitter. Criteria: Ambry Variant Classification Scheme 2023. Collection method: clinical testing. Allele origin: germline.
Comment: The p.Y301H variant (also known as c.901T>C), located in coding exon 8 of the SDHA gene, results from a T to C substitution at nucleotide position 901. The tyrosine at codon 301 is replaced by histidine, an amino acid with similar properties. This amino acid position is conserved. In addition, this alteration is predicted to be deleterious by in silico analysis. Since supporting evidence is limited at this time, the clinical significance of this alteration remains unclear.

NM_004168.4(SDHA):c.901T>C (p.Tyr301His)

Gene: SDHA (succinate dehydrogenase complex flavoprotein subunit A; plus strand). Cytogenetic location: 5p15.33.
Variant type: single nucleotide variant.
Coding change: c.901T>C on transcript NM_004168.4 (MANE Select); coding-DNA position 901, T replaced by C.
Protein change: p.Tyr301His; replaces tyrosine 301 with histidine.
Molecular consequence: missense variant.
Genome position (GRCh38, 1-based): chr5:233,482, T>C. VCF-style: chr5-233482-T-C. GRCh37 (hg19) VCF-style: chr5-233597-T-C.
Other names: c.757T>C, p.Tyr253His (NM_001294332.2); c.901T>C, p.Tyr301His (NM_001330758.2); short protein forms Y301H, Y253H.
Identifiers: ClinVar variation 412363 (VCV000412363.12), dbSNP rs1060503713, ClinGen allele CA16611939.